The following is an entry in ClinVar:

ClinVar aggregate classification (germline): Uncertain significance (1 of 4 stars; one submission).

Submission:

Labcorp Genetics (formerly Invitae), Labcorp
Classification: Uncertain significance. Last evaluated: 2025-05-04. Review status: criteria provided, single submitter. Criteria: Invitae Variant Classification Sherloc (09022015). Collection method: clinical testing. Allele origin: germline.
Comment: This sequence change replaces proline, which is neutral and non-polar, with histidine, which is basic and polar, at codon 51 of the GDF5 protein (p.Pro51His). This variant is present in population databases (no rsID available, gnomAD 0.003%). This variant has not been reported in the literature in individuals affected with GDF5-related conditions. An algorithm developed to predict the effect of missense changes on protein structure and function (PolyPhen-2) suggests that this variant is likely to be tolerated. In summary, the available evidence is currently insufficient to determine the role of this variant in disease. Therefore, it has been classified as a Variant of Uncertain Significance.

NM_000557.5(GDF5):c.152C>A (p.Pro51His)

Gene: GDF5 (growth differentiation factor 5; minus strand). Cytogenetic location: 20q11.22.
Variant type: single nucleotide variant.
Coding change: c.152C>A on transcript NM_000557.5 (MANE Select); coding-DNA position 152, C replaced by A.
Protein change: p.Pro51His; replaces proline 51 with histidine.
Molecular consequence: missense variant.
Genome position (GRCh38, 1-based): chr20:35,437,777, G>T on the plus strand (C>A on the coding strand, the complement: GDF5 is on the minus strand). VCF-style: chr20-35437777-G-T. GRCh37 (hg19) VCF-style: chr20-34025557-G-T.
Other names: c.152C>A, p.Pro51His (NM_001319138.2); short protein forms P51H.
Identifiers: ClinVar variation 4804090 (VCV004804090.1).